The following is an entry in ClinVar:

ClinVar aggregate classification (germline): Uncertain significance (1 of 4 stars; one submission).

Conditions:
Cardiomyopathy (CMYO). Also called: Cardiomyopathies. Identifiers: Orphanet 167848, MedGen C0878544, MONDO:0004994, HP:0001638. Inheritance: Various modes of inheritance.

Submission:

Color Diagnostics, LLC DBA Color Health
Classification: Uncertain significance for Cardiomyopathy. Last evaluated: 2025-06-17. Review status: criteria provided, single submitter. Criteria: ACMG Guidelines, 2015. Collection method: clinical testing. Allele origin: germline.
Comment: This missense variant replaces serine with arginine at codon 4537 of the RYR2 protein. Computational prediction suggests that this variant may not impact protein structure and function. To our knowledge, functional studies have not been reported for this variant. This variant has not been reported in individuals affected with RYR2-related disorders in the literature. This variant has not been identified in the general population by the Genome Aggregation Database (gnomAD). The available evidence is insufficient to determine the role of this variant in disease conclusively. Therefore, this variant is classified as a Variant of Uncertain Significance.

NM_001035.3(RYR2):c.13611T>A (p.Ser4537Arg)

Gene: RYR2 (ryanodine receptor 2; plus strand). Cytogenetic location: 1q43.
Variant type: single nucleotide variant.
Coding change: c.13611T>A on transcript NM_001035.3 (MANE Select); coding-DNA position 13611, T replaced by A.
Protein change: p.Ser4537Arg; replaces serine 4537 with arginine.
Molecular consequence: missense variant.
Genome position (GRCh38, 1-based): chr1:237,792,152, T>A. VCF-style: chr1-237792152-T-A. GRCh37 (hg19) VCF-style: chr1-237955452-T-A.
Other names: short protein forms S4537R.
Identifiers: ClinVar variation 4757225 (VCV004757225.1).